The following is an entry in ClinVar:

ClinVar aggregate classification (germline): Uncertain significance (1 of 4 stars; one submission).

gnomAD v4.1: 1 of 1,551,090 alleles (0.000064%); highest among the groups gnomAD compares: South Asian, 0.0012%; no homozygotes.

Submission:

GeneDx
Classification: Uncertain significance. Last evaluated: 2024-05-22. Review status: criteria provided, single submitter. Criteria: GeneDx Variant Classification Process June 2021. Collection method: clinical testing. Allele origin: germline. Affected: yes.
Comment: Not observed at significant frequency in large population cohorts (gnomAD); In silico analysis supports that this missense variant has a deleterious effect on protein structure/function; Has not been previously published as pathogenic or benign to our knowledge

NM_004370.6(COL12A1):c.6949T>C (p.Cys2317Arg)

Gene: COL12A1 (collagen type XII alpha 1 chain; minus strand). Cytogenetic location: 6q13.
Variant type: single nucleotide variant.
Coding change: c.6949T>C on transcript NM_004370.6 (MANE Select); coding-DNA position 6949, T replaced by C.
Protein change: p.Cys2317Arg; replaces cysteine 2317 with arginine.
Molecular consequence: missense variant.
Genome position (GRCh38, 1-based): chr6:75,121,439, A>G on the plus strand (T>C on the coding strand, the complement: COL12A1 is on the minus strand). VCF-style: chr6-75121439-A-G. GRCh37 (hg19) VCF-style: chr6-75831155-A-G.
Other names: c.6949T>C, p.Cys2317Arg (NM_001424113.1); c.6928T>C, p.Cys2310Arg (NM_001424114.1); c.6676T>C, p.Cys2226Arg (NM_001424115.1); c.3457T>C, p.Cys1153Arg (NM_001424116.1, NM_080645.3); short protein forms C1153R, C2226R, C2310R, C2317R.
Identifiers: ClinVar variation 3390659 (VCV003390659.1).